The following is an entry in ClinVar:

ClinVar aggregate classification (germline): Uncertain significance (1 of 4 stars; one submission).

Conditions:
Neuropathy, hereditary sensory and autonomic, type 2A (HSAN2A). Also called: MORVAN DISEASE; NEUROPATHY, CONGENITAL SENSORY; NEUROPATHY, HEREDITARY SENSORY RADICULAR, AUTOSOMAL RECESSIVE; NEUROPATHY, HEREDITARY SENSORY, TYPE IIA; NEUROPATHY, PROGRESSIVE SENSORY, OF CHILDREN; ACROOSTEOLYSIS, GIACCAI TYPE. Identifiers: Orphanet 970, MedGen C2752089, MONDO:0024309, OMIM 201300.
Generalized epilepsy with febrile seizures plus, type 7 (GEFSP7). Also called: GEFS+, TYPE 7. Identifiers: Orphanet 36387, MedGen C2751778, MONDO:0013470, OMIM 613863.

Submission:

Labcorp Genetics (formerly Invitae), Labcorp
Classification: Uncertain significance for Neuropathy, hereditary sensory and autonomic, type 2A; Generalized epilepsy with febrile seizures plus, type 7. Last evaluated: 2022-07-12. Review status: criteria provided, single submitter. Criteria: Invitae Variant Classification Sherloc (09022015). Collection method: clinical testing. Allele origin: germline.
Comment: This sequence change replaces arginine, which is basic and polar, with leucine, which is neutral and non-polar, at codon 658 of the SCN9A protein (p.Arg658Leu). This variant is not present in population databases (gnomAD no frequency). In summary, the available evidence is currently insufficient to determine the role of this variant in disease. Therefore, it has been classified as a Variant of Uncertain Significance. Algorithms developed to predict the effect of missense changes on protein structure and function output the following: SIFT: "Tolerated"; PolyPhen-2: "Benign"; Align-GVGD: "Class C0". The leucine amino acid residue is found in multiple mammalian species, which suggests that this missense change does not adversely affect protein function. ClinVar contains an entry for this variant (Variation ID: 1062121). This variant has not been reported in the literature in individuals affected with SCN9A-related conditions.

NM_001365536.1(SCN9A):c.2006G>T (p.Arg669Leu)

Genes: SCN9A (sodium voltage-gated channel alpha subunit 9; minus strand), SCN1A-AS1 (SCN1A and SCN9A antisense RNA 1; plus strand). Cytogenetic location: 2q24.3.
Variant type: single nucleotide variant.
Coding change: c.2006G>T on transcript NM_001365536.1 (MANE Select); coding-DNA position 2006, G replaced by T.
Protein change: p.Arg669Leu; replaces arginine 669 with leucine.
Molecular consequence: missense variant.
Genome position (GRCh38, 1-based): chr2:166,281,777, C>A on the plus strand (G>T on the coding strand, the complement: SCN9A is on the minus strand). VCF-style: chr2-166281777-C-A. GRCh37 (hg19) VCF-style: chr2-167138287-C-A.
Other names: c.1973G>T, p.Arg658Leu (NM_002977.4); short protein forms R658L, R669L.
Identifiers: ClinVar variation 1062121 (VCV001062121.9), dbSNP rs200374987, ClinGen allele CA349081285.